The following is an entry in ClinVar:

ClinVar aggregate classification (germline): Uncertain significance (1 of 4 stars; one submission).

Conditions:
Atypical hemolytic-uremic syndrome. Identifiers: Orphanet 2134, MedGen C2931788, MONDO:0016244.

Submission:

Genomenon, Inc
Classification: Uncertain significance for Atypical hemolytic-uremic syndrome. Last evaluated: 2025-09-26. Review status: criteria provided, single submitter. Criteria: Genomenon Sequence Variant Interpretation Standards - Updated. Collection method: curation. Allele origin: germline. Affected: yes.
Comment: CFI p.His40Pro (c.119A>C) is a missense variant that changes the amino acid at residue 40 from Histidine to Proline. This variant has been observed in at least one proband affected with atypical hemolytic-uremic syndrome (PMID:38228318). It is absent or not present at a significant frequency in gnomAD. In conclusion, we classify CFI p.His40Pro (c.119A>C) as a variant of unknown significance.

Literature cited by the submitters: PubMed 38228318.

NM_000204.5(CFI):c.119A>C (p.His40Pro)

Gene: CFI (complement factor I; minus strand). Cytogenetic location: 4q25.
Variant type: single nucleotide variant.
Coding change: c.119A>C on transcript NM_000204.5 (MANE Select); coding-DNA position 119, A replaced by C.
Protein change: p.His40Pro; replaces histidine 40 with proline.
Molecular consequence: missense variant. On other transcripts: intron variant (1), non-coding transcript variant (3).
Genome position (GRCh38, 1-based): chr4:109,766,763, T>G on the plus strand (A>C on the coding strand, the complement: CFI is on the minus strand). VCF-style: chr4-109766763-T-G. GRCh37 (hg19) VCF-style: chr4-110687919-T-G.
Other names: c.119A>C, p.His40Pro (NM_001318057.2, NM_001331035.2, NM_001375278.1 and 10 more transcripts); c.-127-5071A>C (NM_001375284.1); short protein forms H40P.
Identifiers: ClinVar variation 4280493 (VCV004280493.1).
Genomic context (GRCh38, chr4:109,766,763, plus strand): 5'-ACACAGGTGCCCTCAATGCATCTCTGCCATGGCTGGCAGAAGACTTTATCGCAGGAGAGG[T>G]GAGTATATTTTTTTGCTAAGCACTTTTTCTCCACCAGATCCTCTTGAGATGTATAAGTGA-3'
Protein context (NP_000195.3, residues 30-50): EKKCLAKKYT[His40Pro]LSCDKVFCQP